The following is an entry in ClinVar:

ClinVar aggregate classification (germline): Likely benign (1 of 4 stars; one submission).

Allele frequency attached by ClinVar (database versions not stated): ExAC 0.00001; gnomAD exomes 0.00002; TOPMed 0.00002; gnomAD 0.00003.
gnomAD v4.1: 32 of 1,610,658 alleles (0.002%); highest among the groups gnomAD compares: Admixed American, 0.0034%; no homozygotes.

Submission:

CeGaT Center for Human Genetics Tuebingen
Classification: Likely benign. Last evaluated: 2022-03-01. Review status: criteria provided, single submitter. Criteria: CeGaT Center For Human Genetics Tuebingen Variant Classification Criteria Version 2. Collection method: clinical testing. Allele origin: germline. Affected: yes. Observed: 1 variant allele.
Comment: IL37: BP4, BP7

NM_014439.4(IL37):c.312G>A (p.Glu104=)

Gene: IL37 (interleukin 37; plus strand). Cytogenetic location: 2q14.1.
Variant type: single nucleotide variant.
Coding change: c.312G>A on transcript NM_014439.4 (MANE Select); coding-DNA position 312, G replaced by A.
Protein change: p.Glu104=; no amino-acid change (glutamic acid 104 retained).
Molecular consequence: synonymous variant.
Genome position (GRCh38, 1-based): chr2:112,917,681, G>A. VCF-style: chr2-112917681-G-A. GRCh37 (hg19) VCF-style: chr2-113675258-G-A.
Other names: c.249G>A, p.Glu83= (NM_173202.2); c.129G>A, p.Glu43= (NM_173203.2); c.192G>A, p.Glu64= (NM_173204.2); c.234G>A, p.Glu78= (NM_173205.2).
Identifiers: ClinVar variation 2651288 (VCV002651288.24), dbSNP rs750419461, ClinGen allele CA1837587.
Genomic context (GRCh38, chr2:112,917,681, plus strand): 5'-CTGTCTTTTTCCAGAGATCTTCTTTGCATTAGCCTCATCCTTGAGCTCAGCCTCTGCGGA[G>A]AAAGGAAGTCCGATTCTCCTGGGGGTCTCTAAAGGGGAGTTTTGTCTCTACTGTGACAAG-3'
Protein context (NP_055254.2, residues 94-114): LASSLSSASA[Glu104=]KGSPILLGVS